The following is an entry in ClinVar:

NM_001291867.2(NHS):c.3827G>A (p.Arg1276Lys)

Gene: NHS (NHS actin remodeling regulator; plus strand). Cytogenetic location: Xp22.13.
Variant type: single nucleotide variant.
Coding change: c.3827G>A on transcript NM_001291867.2 (MANE Select); coding-DNA position 3827, G replaced by A.
Protein change: p.Arg1276Lys; replaces arginine 1276 with lysine.
Molecular consequence: missense variant.
Genome position (GRCh38, 1-based): chrX:17,727,933, G>A. VCF-style: chrX-17727933-G-A. GRCh37 (hg19) VCF-style: chrX-17746053-G-A.
Other names: c.3296G>A, p.Arg1099Lys (NM_001136024.4); c.3233G>A, p.Arg1078Lys (NM_001291868.2); c.3764G>A, p.Arg1255Lys (NM_198270.4); short protein forms R1255K, R1078K, R1276K, R1099K.
Identifiers: ClinVar variation 2706904 (VCV002706904.3), dbSNP rs2519941632, ClinGen allele CA412366266.

ClinVar aggregate classification (germline): Uncertain significance (1 of 4 stars; one submission).

Conditions:
Nance-Horan syndrome (NHS). Identifiers: Orphanet 627, MedGen C0796085, MONDO:0010545, OMIM 302350.

Submission:

Labcorp Genetics (formerly Invitae), Labcorp
Classification: Uncertain significance for Nance-Horan syndrome. Last evaluated: 2024-01-03. Review status: criteria provided, single submitter. Criteria: Invitae Variant Classification Sherloc (09022015). Collection method: clinical testing. Allele origin: germline.
Comment: This sequence change replaces arginine, which is basic and polar, with lysine, which is basic and polar, at codon 1255 of the NHS protein (p.Arg1255Lys). This variant is not present in population databases (gnomAD no frequency). This variant has not been reported in the literature in individuals affected with NHS-related conditions. Advanced modeling of protein sequence and biophysical properties (such as structural, functional, and spatial information, amino acid conservation, physicochemical variation, residue mobility, and thermodynamic stability) performed at Invitae indicates that this missense variant is not expected to disrupt NHS protein function with a negative predictive value of 80%. In summary, the available evidence is currently insufficient to determine the role of this variant in disease. Therefore, it has been classified as a Variant of Uncertain Significance.